The following is an entry in ClinVar:

ClinVar aggregate classification (germline): Benign/Likely benign. Review status: criteria provided, multiple submitters, no conflicts (2 of 4 stars). 12 submissions from 12 submitters: Benign (8); Likely benign (1). 3 of the submissions do not count toward it. Last evaluated 2026-02-02.

Conditions:
SLC9A6-related disorder. Also called: SLC9A6-related condition.
Inborn genetic diseases. Identifiers: MedGen C0950123, MeSH D030342.
Christianson syndrome (MRXSCH). Also called: SLC9A6-Related Syndromic Mental Retardation; INTELLECTUAL DEVELOPMENTAL DISORDER, X-LINKED, SYNDROMIC, CHRISTIANSON TYPE; X-linked mental retardation, syndromic, Christianson type. Identifiers: Orphanet 85278, MedGen C2678194, MONDO:0010278, OMIM 300243.

Allele frequency attached by ClinVar (database versions not stated): 1000 Genomes Project 0.00132; TOPMed 0.00136; ESP Exome Variant Server 0.00246; 1000 Genomes Project 30x 0.00104; gnomAD 0.00239 and 0.00236; gnomAD exomes 0.00261 and 0.00321; ExAC 0.00243.
gnomAD v4.1: 3,682 of 1,193,640 alleles (0.31%); highest among the groups gnomAD compares: Non-Finnish European, 0.34%; 6 homozygotes.

Submissions (15):

Labcorp Genetics (formerly Invitae), Labcorp
Classification: Benign for Christianson syndrome. Last evaluated: 2026-02-02. Review status: criteria provided, single submitter. Criteria: Invitae Variant Classification Sherloc (09022015). Collection method: clinical testing. Allele origin: germline.

Blueprint Genetics
Classification: Likely benign. Last evaluated: 2024-11-26. Review status: criteria provided, single submitter. Criteria: ACMG Guidelines, 2015. Collection method: clinical testing. Allele origin: germline.

Athena Diagnostics
Classification: Benign. Last evaluated: 2024-10-22. Review status: criteria provided, single submitter. Criteria: Athena Diagnostics Criteria. Collection method: clinical testing. Allele origin: unknown.

Mayo Clinic Laboratories, Mayo Clinic
Classification: Benign. Last evaluated: 2024-06-05. Review status: criteria provided, single submitter. Criteria: ACMG Guidelines, 2015. Collection method: clinical testing. Allele origin: germline. Observed: 11 variant alleles.
Comment: BS1, BS2

Mendelics
Classification: Benign for Christianson syndrome. Last evaluated: 2019-05-28. Review status: criteria provided, single submitter. Criteria: Mendelics Assertion Criteria 2017. Collection method: clinical testing. Allele origin: unknown.

Ambry Genetics
Classification: Benign for Inborn genetic diseases. Last evaluated: 2019-05-14. Review status: criteria provided, single submitter. Criteria: Ambry Variant Classification Scheme 2023. Collection method: clinical testing. Allele origin: germline.

Genetic Services Laboratory, University of Chicago
Classification: Benign. Last evaluated: 2015-08-10. Review status: criteria provided, single submitter. Criteria: ACMG Guidelines, 2015. Collection method: clinical testing. Allele origin: germline.

Eurofins Ntd Llc (ga)
Classification: Benign. Last evaluated: 2013-07-11. Review status: criteria provided, single submitter. Criteria: EGL Classification Definitions 2015. Collection method: clinical testing. Allele origin: germline. Observed: 2 variant alleles, 1 heterozygote, 1 hemizygote.

GeneDx
Classification: Benign. Last evaluated: 2013-02-04. Review status: criteria provided, single submitter. Criteria: GeneDx Variant Classification (06012015). Collection method: clinical testing. Allele origin: germline. Affected: yes.
Comment: This variant is considered likely benign or benign based on one or more of the following criteria: it is a conservative change, it occurs at a poorly conserved position in the protein, it is predicted to be benign by multiple in silico algorithms, and/or has population frequency not consistent with disease.

PreventionGenetics, part of Exact Sciences
Classification: Benign for SLC9A6-related condition. Last evaluated: 2019-07-18. Review status: no assertion criteria provided. Collection method: clinical testing. Allele origin: germline. Not counted in ClinVar's aggregate classification.
Comment: This variant is classified as benign based on ACMG/AMP sequence variant interpretation guidelines (Richards et al. 2015 PMID: 25741868, with internal and published modifications).

Clinical Genetics DNA and cytogenetics Diagnostics Lab, Erasmus MC, Erasmus Medical Center
Classification: Likely benign. Review status: no assertion criteria provided. Collection method: clinical testing. Allele origin: germline. Affected: yes. Study: VKGL Data-share Consensus. Not counted in ClinVar's aggregate classification.

Dr. Peter K. Rogan Lab, Western University
No classification provided (evidence only). Condition: Acute myeloid leukemia. Review status: no classification provided. Collection method: in vitro. Allele origin: not applicable. Functional consequence: retained intron. Not counted in ClinVar's aggregate classification.

Dr. Peter K. Rogan Lab, Western University
No classification provided (evidence only). Condition: Colorectal cancer. Review status: no classification provided. Collection method: in vitro. Allele origin: not applicable. Functional consequence: retained intron. Not counted in ClinVar's aggregate classification.

Dr. Peter K. Rogan Lab, Western University
No classification provided (evidence only). Condition: Chronic lymphocytic leukemia/small lymphocytic lymphoma. Review status: no classification provided. Collection method: in vitro. Allele origin: not applicable. Functional consequence: retained intron. Not counted in ClinVar's aggregate classification.

Genome Diagnostics Laboratory, University Medical Center Utrecht
Classification: Likely benign. Review status: no assertion criteria provided. Collection method: clinical testing. Allele origin: germline. Affected: yes. Study: VKGL Data-share Consensus. Not counted in ClinVar's aggregate classification.

NM_001379110.1(SLC9A6):c.1460+4A>G

Gene: SLC9A6 (solute carrier family 9 member A6; plus strand). Cytogenetic location: Xq26.3.
Variant type: single nucleotide variant.
Coding change: c.1460+4A>G on transcript NM_001379110.1 (MANE Select); 4 bases into the intron after coding-DNA position 1460, A replaced by G.
Molecular consequence: intron variant.
Genome position (GRCh38, 1-based): chrX:136,024,487, A>G. VCF-style: chrX-136024487-A-G. GRCh37 (hg19) VCF-style: chrX-135106646-A-G.
Other names: p.?; c.1616+4A>G (NM_001042537.2); c.1520+4A>G (NM_006359.3); c.1460+4A>G (NM_001177651.2); c.1364+4A>G (NM_001330652.2).
Identifiers: ClinVar variation 95376 (VCV000095376.33), dbSNP rs180727016, ClinGen allele CA285658.